The following is an entry in ClinVar:

NM_000784.4(CYP27A1):c.1564G>A (p.Val522Met)

Gene: CYP27A1 (cytochrome P450 family 27 subfamily A member 1; plus strand). Cytogenetic location: 2q35.
Variant type: single nucleotide variant.
Coding change: c.1564G>A on transcript NM_000784.4 (MANE Select); coding-DNA position 1564, G replaced by A.
Protein change: p.Val522Met; replaces valine 522 with methionine.
Molecular consequence: missense variant.
Genome position (GRCh38, 1-based): chr2:218,814,998, G>A. VCF-style: chr2-218814998-G-A. GRCh37 (hg19) VCF-style: chr2-219679721-G-A.
Other names: p.Val522Met; short protein forms V522M.
Identifiers: ClinVar variation 593445 (VCV000593445.18), dbSNP rs151117761, ClinGen allele CA2112943.

ClinVar aggregate classification (germline): Conflicting classifications of pathogenicity. Review status: criteria provided, conflicting classifications (1 of 4 stars). 4 submissions from 4 submitters: Uncertain significance (3); Likely benign (1). Last evaluated 2025-11-25.

Conditions:
Cholestanol storage disease (CTX). Also called: Cerebrotendinous Xanthomatosis; CTX: Cerebrotendinous xanthomatosis; CEREBRAL CHOLESTERINOSIS. Identifiers: Orphanet 909, MedGen C0238052, MONDO:0008948, OMIM 213700.
Cardiovascular phenotype. Identifiers: MedGen CN230736.

Allele frequency attached by ClinVar (database versions not stated): gnomAD exomes 0.00003 and 0.00009; ExAC 0.00008; 1000 Genomes Project 30x 0.00016; 1000 Genomes Project 0.00020; gnomAD 0.00023 and 0.00024; TOPMed 0.00026; ESP Exome Variant Server 0.00046.
gnomAD v4.1: 81 of 1,614,238 alleles (0.005%); highest among the groups gnomAD compares: African/African-American, 0.097%; no homozygotes.

Submissions (4):

Ambry Genetics
Classification: Uncertain significance for Cardiovascular phenotype. Last evaluated: 2025-11-25. Review status: criteria provided, single submitter. Criteria: Ambry Variant Classification Scheme 2023. Collection method: clinical testing. Allele origin: germline.
Comment: The p.V522M variant (also known as c.1564G>A), located in coding exon 9 of the CYP27A1 gene, results from a G to A substitution at nucleotide position 1564. The valine at codon 522 is replaced by methionine, an amino acid with highly similar properties. This amino acid position is conserved. In addition, this alteration is predicted to be tolerated by in silico analysis. Since supporting evidence is limited at this time, the clinical significance of this alteration remains unclear.

Labcorp Genetics (formerly Invitae), Labcorp
Classification: Likely benign for Cholestanol storage disease. Last evaluated: 2025-11-13. Review status: criteria provided, single submitter. Criteria: Invitae Variant Classification Sherloc (09022015). Collection method: clinical testing. Allele origin: germline.

Mayo Clinic Laboratories, Mayo Clinic
Classification: Uncertain significance. Last evaluated: 2024-04-02. Review status: criteria provided, single submitter. Criteria: ACMG Guidelines, 2015. Collection method: clinical testing. Allele origin: germline. Observed: 1 variant allele.
Comment: PM2_moderate

Eurofins Ntd Llc (ga)
Classification: Uncertain significance. Last evaluated: 2017-07-27. Review status: criteria provided, single submitter. Criteria: EGL Classification Definitions 2015. Collection method: clinical testing. Allele origin: germline. Observed: 1 variant allele, 1 heterozygote.